The following is an entry in ClinVar:

ClinVar aggregate classification (germline): Uncertain significance (1 of 4 stars; one submission).

Conditions:
Hereditary spastic paraplegia 63. Also called: Spastic paraplegia 63, autosomal recessive. Identifiers: Orphanet 401805, MedGen C3810295, MONDO:0014305, OMIM 615686.
Pontocerebellar hypoplasia type 9. Identifiers: Orphanet 369920, MedGen C4014354, MONDO:0014351, OMIM 615809.

Allele frequency attached by ClinVar (database versions not stated): gnomAD exomes below 0.00001; TOPMed below 0.00001; ExAC 0.00001.
gnomAD v4.1: 4 of 1,613,692 alleles (0.00025%); highest among the groups gnomAD compares: South Asian, 0.0011%; no homozygotes.

Submission:

Labcorp Genetics (formerly Invitae), Labcorp
Classification: Uncertain significance for Pontocerebellar hypoplasia type 9; Hereditary spastic paraplegia 63. Last evaluated: 2022-05-04. Review status: criteria provided, single submitter. Criteria: Invitae Variant Classification Sherloc (09022015). Collection method: clinical testing. Allele origin: germline.
Comment: In summary, the available evidence is currently insufficient to determine the role of this variant in disease. Therefore, it has been classified as a Variant of Uncertain Significance. Algorithms developed to predict the effect of missense changes on protein structure and function output the following: SIFT: "Tolerated"; PolyPhen-2: "Benign"; Align-GVGD: "Class C0". The threonine amino acid residue is found in multiple mammalian species, which suggests that this missense change does not adversely affect protein function. This variant has not been reported in the literature in individuals affected with AMPD2-related conditions. This variant is present in population databases (rs768390114, gnomAD 0.01%). This sequence change replaces alanine, which is neutral and non-polar, with threonine, which is neutral and polar, at codon 105 of the AMPD2 protein (p.Ala105Thr).

NM_001368809.2(AMPD2):c.151G>A (p.Ala51Thr)

Gene: AMPD2 (adenosine monophosphate deaminase 2; plus strand). Cytogenetic location: 1p13.3.
Variant type: single nucleotide variant.
Coding change: c.151G>A on transcript NM_001368809.2 (MANE Select); coding-DNA position 151, G replaced by A.
Protein change: p.Ala51Thr; replaces alanine 51 with threonine.
Molecular consequence: missense variant. On other transcripts: 5 prime UTR variant (1), intron variant (1).
Genome position (GRCh38, 1-based): chr1:109,625,362, G>A. VCF-style: chr1-109625362-G-A. GRCh37 (hg19) VCF-style: chr1-110167984-G-A.
Other names: c.313G>A, p.Ala105Thr (NM_001257360.2); c.-42G>A (NM_001257361.2); c.151G>A, p.Ala51Thr (NM_004037.9); c.70G>A, p.Ala24Thr (NM_139156.4); c.160-300G>A (NM_001308170.1); short protein forms A105T, A24T, A51T.
Identifiers: ClinVar variation 2166876 (VCV002166876.3), dbSNP rs768390114, ClinGen allele CA992688.
Genomic context (GRCh38, chr1:109,625,362, plus strand): 5'-GAGGCTCGGGGTGGTCTGGGGGCCCCTCCGCTGCAGTCTGCCCGATCCCTGCCGGGCCCC[G>A]CCCCCTGCCTCAAGCACTTCCCGCTCGACCTGCGCACGTCTATGGATGGCAAATGCAAGG-3'
Protein context (NP_001355738.1, residues 41-61): LQSARSLPGP[Ala51Thr]PCLKHFPLDL